The following is an entry in ClinVar:

NC_000017.10:g.(?_56772286)_(56774226_?)dup

Gene: RAD51C (RAD51 paralog C; plus strand). Cytogenetic location: 17q22.
Variant type: Duplication.
Identifiers: ClinVar variation 538798 (VCV000538798.4).

ClinVar aggregate classification (germline): Uncertain significance (1 of 4 stars; one submission).

Conditions:
Fanconi anemia complementation group O. Also called: RAD51C-Related Fanconi Anemia. Identifiers: Orphanet 84, MedGen C3150653, MONDO:0013248, OMIM 613390.

Submission:

Labcorp Genetics (formerly Invitae), Labcorp
Classification: Uncertain significance for Fanconi anemia complementation group O. Last evaluated: 2017-11-11. Review status: criteria provided, single submitter. Criteria: Invitae Variant Classification Sherloc (09022015). Collection method: clinical testing. Allele origin: germline.
Comment: In summary, the available evidence is currently insufficient to determine the role of this variant in disease. Therefore, it has been classified as a Variant of Uncertain Significance. Experimental studies and prediction algorithms are not available for this variant, and the functional significance of the duplicated amino acids is currently unknown. This variant has not been reported in the literature in individuals with RAD51C-related disease. This variant is a gross duplication of the genomic region encompassing exons 2-3 of the RAD51C gene. While the exact position of the duplicated exons cannot be determined from this data, sub-genic duplications are generally in tandem (PMID: 25640679). This duplication would be expected to be in-frame, preserving the integrity of the reading frame.

Literature cited by the submitters: PubMed 25640679.